The following is an entry in ClinVar:

ClinVar aggregate classification (germline): Likely benign (1 of 4 stars; one submission).

Submission:

CeGaT Center for Human Genetics Tuebingen
Classification: Likely benign. Last evaluated: 2022-12-01. Review status: criteria provided, single submitter. Criteria: CeGaT Center For Human Genetics Tuebingen Variant Classification Criteria Version 2. Collection method: clinical testing. Allele origin: germline. Affected: yes. Observed: 1 variant allele.
Comment: NUAK2: PM2:Supporting, BP4, BP7

NM_030952.3(NUAK2):c.81G>A (p.Leu27=)

Gene: NUAK2 (NUAK family kinase 2; minus strand). Cytogenetic location: 1q32.1.
Variant type: single nucleotide variant.
Coding change: c.81G>A on transcript NM_030952.3 (MANE Select); coding-DNA position 81, G replaced by A.
Protein change: p.Leu27=; no amino-acid change (leucine 27 retained).
Molecular consequence: synonymous variant.
Genome position (GRCh38, 1-based): chr1:205,321,548, C>T on the plus strand (G>A on the coding strand, the complement: NUAK2 is on the minus strand). VCF-style: chr1-205321548-C-T. GRCh37 (hg19) VCF-style: chr1-205290676-C-T.
Identifiers: ClinVar variation 2639852 (VCV002639852.24), dbSNP rs1288980920, ClinGen allele CA423128812.
Genomic context (GRCh38, chr1:205,321,548, plus strand): 5'-GTGCTTGTGGTGGTGCCGCTTCACCGCCTGCTTCTTCATTAGGGGCTTGGGCGACTTGAT[C>T]AGCCCTTCCGCCAGCGGCCGGGCTAGCTCTGCGGCCGAGGGAGTGGGGCCGGAGCGCCGC-3'
Protein context (NP_112214.3, residues 17-37): AELARPLAEG[Leu27=]IKSPKPLMKK